The following is an entry in ClinVar:

ClinVar aggregate classification (germline): Uncertain significance (1 of 4 stars; one submission).

Conditions:
Inborn genetic diseases. Identifiers: MedGen C0950123, MeSH D030342.

Submission:

Ambry Genetics
Classification: Uncertain significance for Inborn genetic diseases. Last evaluated: 2024-03-25. Review status: criteria provided, single submitter. Criteria: Ambry Variant Classification Scheme 2023. Collection method: clinical testing. Allele origin: germline.
Comment: The p.S2525F variant (also known as c.7574C>T), located in coding exon 51 of the LRRK2 gene, results from a C to T substitution at nucleotide position 7574. The serine at codon 2525 is replaced by phenylalanine, an amino acid with highly dissimilar properties. This amino acid position is conserved. In addition, this alteration is predicted to be tolerated by in silico analysis. Based on the available evidence, the clinical significance of this alteration remains unclear.

NM_198578.4(LRRK2):c.7574C>T (p.Ser2525Phe)

Gene: LRRK2 (leucine rich repeat kinase 2; plus strand). Cytogenetic location: 12q12.
Variant type: single nucleotide variant.
Coding change: c.7574C>T on transcript NM_198578.4 (MANE Select); coding-DNA position 7574, C replaced by T.
Protein change: p.Ser2525Phe; replaces serine 2525 with phenylalanine.
Molecular consequence: missense variant.
Genome position (GRCh38, 1-based): chr12:40,367,755, C>T. VCF-style: chr12-40367755-C-T. GRCh37 (hg19) VCF-style: chr12-40761557-C-T.
Other names: short protein forms S2525F.
Identifiers: ClinVar variation 3291871 (VCV003291871.1).
Genomic context (GRCh38, chr12:40,367,755, plus strand): 5'-AAAATTTAGAAAAACACATTGAAGTGAGAAAAGAATTAGCTGAAAAAATGAGACGAACAT[C>T]TGTTGAGTAAGAGAGAAATAGGAATTGTCTTTGGATAGGAAAATTATTCTCTCCTCTTGT-3'
Protein context (NP_940980.4, residues 2515-2527): KELAEKMRRT[Ser2525Phe]VE